The following is an entry in ClinVar:

NM_001369.3(DNAH5):c.4605dup (p.Ile1536fs)

Genes: DNAH5 (dynein axonemal heavy chain 5; minus strand), DNAH5-AS1 (DNAH5 antisense RNA 1; plus strand). Cytogenetic location: 5p15.2.
Variant type: Duplication.
Coding change: c.4605dup on transcript NM_001369.3 (MANE Select); coding-DNA position 4605, one base duplicated (T; older notation c.4605dupT).
Protein change: p.Ile1536fs; shifts the reading frame from isoleucine 1536.
Molecular consequence: frameshift variant.
Genome position (GRCh38, 1-based): chr5:13,862,739, A duplicated on the plus strand (T on the coding strand, the reverse complement: DNAH5 is on the minus strand). VCF-style (leftmost placement, unchanged base first): chr5-13862738-T-TA. GRCh37 (hg19) VCF-style: chr5-13862847-T-TA.
Other names: c.4605dupT (NM_001369.2); short protein forms I1536fs.
Identifiers: ClinVar variation 220401 (VCV000220401.10), dbSNP rs864622512, ClinGen allele CA349374.
Genomic context (GRCh38, chr5:13,862,738, plus strand): 5'-CCCATTCATTAATCACTTGCTTCAGCTTTTGCTCAATGTCTCTCTCTTTCACCGCACTGA[T>TA]ACAGATGTCCTATCAAAATGGCAAGCTCTCATGTTATTGCATGAAAGTCACACGTCCTTC-3'

ClinVar aggregate classification (germline): Pathogenic. Review status: criteria provided, multiple submitters, no conflicts (2 of 4 stars). 2 submissions from 2 submitters: Pathogenic (2). Last evaluated 2024-05-14.

Conditions:
Primary ciliary dyskinesia 3. Identifiers: Orphanet 244, MedGen C1837618, MONDO:0012085, OMIM 608644.
Primary ciliary dyskinesia. Also called: Ciliary dyskinesia. Identifiers: Orphanet 244, MedGen C0008780, MONDO:0016575, HP:0012265.

Submissions (2):

Myriad Genetics, Inc.
Classification: Pathogenic for Primary ciliary dyskinesia 3. Last evaluated: 2024-05-14. Review status: criteria provided, single submitter. Criteria: Myriad Autosomal Dominant, Autosomal Recessive and X-Linked Classification Criteria (2023). Collection method: clinical testing. Allele origin: unknown.
Comment: NM_001369.2(DNAH5):c.4605dupT(I1536Yfs*10) is expected to be pathogenic in the context of primary ciliary dyskinesia, DNAH5-related. This variant is predicted to lead to an abnormal or absent protein product due to the creation of a premature termination codon in DNAH5, a gene where loss-of-function variants are known to be pathogenic. Please note: this variant was assessed in the context of healthy population screening.

Labcorp Genetics (formerly Invitae), Labcorp
Classification: Pathogenic for Primary ciliary dyskinesia. Last evaluated: 2023-01-15. Review status: criteria provided, single submitter. Criteria: Invitae Variant Classification Sherloc (09022015). Collection method: clinical testing. Allele origin: germline.
Comment: This premature translational stop signal has been observed in individual(s) with clinical features of primary ciliary dyskinesia (Invitae). For these reasons, this variant has been classified as Pathogenic. ClinVar contains an entry for this variant (Variation ID: 220401). This variant is not present in population databases (gnomAD no frequency). This sequence change creates a premature translational stop signal (p.Ile1536Tyrfs*10) in the DNAH5 gene. It is expected to result in an absent or disrupted protein product. Loss-of-function variants in DNAH5 are known to be pathogenic (PMID: 11788826, 16627867).

Literature cited by the submitters: PubMed 11788826 (cited by Labcorp Genetics (formerly Invitae), Labcorp); PubMed 16627867 (cited by Labcorp Genetics (formerly Invitae), Labcorp).